The following is an entry in ClinVar:

NM_001103.4(ACTN2):c.783+10A>G

Gene: ACTN2 (actinin alpha 2; plus strand). Cytogenetic location: 1q43.
Variant type: single nucleotide variant.
Coding change: c.783+10A>G on transcript NM_001103.4 (MANE Select); 10 bases into the intron after coding-DNA position 783, A replaced by G.
Molecular consequence: intron variant.
Genome position (GRCh38, 1-based): chr1:236,735,730, A>G. VCF-style: chr1-236735730-A-G. GRCh37 (hg19) VCF-style: chr1-236899030-A-G.
Other names: c.783+10A>G (NM_001103.3); c.48+10A>G (NM_001278344.2); c.783+1212A>G (NM_001278343.2).
Identifiers: ClinVar variation 1097030 (VCV001097030.10), dbSNP rs751099532, ClinGen allele CA1472930.

ClinVar aggregate classification (germline): Likely benign. Review status: criteria provided, multiple submitters, no conflicts (2 of 4 stars). 2 submissions from 2 submitters: Likely benign (2). Last evaluated 2025-12-18.

Conditions:
ACTN2-related disorder. Also called: ACTN2-related disorders; ACTN2 related condition.
Primary familial hypertrophic cardiomyopathy (HCM). Identifiers: Orphanet 99739, MedGen C0949658, MeSH D024741, MONDO:0024573. Inheritance: Various modes of inheritance.
Dilated cardiomyopathy 1AA (CMD1AA). Also called: Cardiomyopathy, dilated, 1AA, with or without LVNC; CARDIOMYOPATHY, DILATED, 1AA, WITH OR WITHOUT LEFT VENTRICULAR NONCOMPACTION; CARDIOMYOPATHY, FAMILIAL HYPERTROPHIC, 23, WITH OR WITHOUT LEFT VENTRICULAR NONCOMPACTION. Identifiers: Orphanet 154, MedGen C2677338, MONDO:0012808, OMIM 612158.

Allele frequency attached by ClinVar (database versions not stated): gnomAD exomes below 0.00001; ExAC 0.00001; gnomAD 0.00001; TOPMed 0.00001.
gnomAD v4.1: 5 of 1,612,388 alleles (0.00031%); highest among the groups gnomAD compares: Admixed American, 0.0017%; no homozygotes.

Submissions (2):

PreventionGenetics, part of Exact Sciences
Classification: Likely benign for ACTN2-related condition. Last evaluated: 2025-12-18. Review status: criteria provided, single submitter. Criteria: ACMG Guidelines, 2015. Collection method: clinical testing. Allele origin: germline.
Comment: This variant is classified as likely benign based on ACMG/AMP sequence variant interpretation guidelines (Richards et al. 2015 PMID: 25741868, with internal and published modifications).

Labcorp Genetics (formerly Invitae), Labcorp
Classification: Likely benign for Primary familial hypertrophic cardiomyopathy; Dilated cardiomyopathy 1AA. Last evaluated: 2025-08-10. Review status: criteria provided, single submitter. Criteria: Invitae Variant Classification Sherloc (09022015). Collection method: clinical testing. Allele origin: germline.